The following is an entry in ClinVar:

ClinVar aggregate classification (germline): Uncertain significance (1 of 4 stars; one submission).

Allele frequency attached by ClinVar (database versions not stated): gnomAD exomes below 0.00001; gnomAD 0.00001; TOPMed 0.00003.
gnomAD v4.1: 5 of 1,613,928 alleles (0.00031%); highest among the groups gnomAD compares: Middle Eastern, 0.016%; no homozygotes.

Submission:

Labcorp Genetics (formerly Invitae), Labcorp
Classification: Uncertain significance. Last evaluated: 2022-07-20. Review status: criteria provided, single submitter. Criteria: Invitae Variant Classification Sherloc (09022015). Collection method: clinical testing. Allele origin: germline.
Comment: This sequence change replaces alanine, which is neutral and non-polar, with glycine, which is neutral and non-polar, at codon 193 of the EYS protein (p.Ala193Gly). This variant is present in population databases (no rsID available, gnomAD 0.007%). This variant has not been reported in the literature in individuals affected with EYS-related conditions. Algorithms developed to predict the effect of missense changes on protein structure and function are either unavailable or do not agree on the potential impact of this missense change (SIFT: "Deleterious"; PolyPhen-2: "Benign"; Align-GVGD: "Class C0"). Algorithms developed to predict the effect of sequence changes on RNA splicing suggest that this variant may create or strengthen a splice site. In summary, the available evidence is currently insufficient to determine the role of this variant in disease. Therefore, it has been classified as a Variant of Uncertain Significance.

NM_001142800.2(EYS):c.578C>G (p.Ala193Gly)

Gene: EYS (eyes shut homolog; minus strand). Cytogenetic location: 6q12.
Variant type: single nucleotide variant.
Coding change: c.578C>G on transcript NM_001142800.2 (MANE Select); coding-DNA position 578, C replaced by G.
Protein change: p.Ala193Gly; replaces alanine 193 with glycine.
Molecular consequence: missense variant.
Genome position (GRCh38, 1-based): chr6:65,494,833, G>C on the plus strand (C>G on the coding strand, the complement: EYS is on the minus strand). VCF-style: chr6-65494833-G-C. GRCh37 (hg19) VCF-style: chr6-66204726-G-C.
Other names: c.578C>G, p.Ala193Gly (NM_001142801.2, NM_001292009.2, NM_198283.2); short protein forms A193G.
Identifiers: ClinVar variation 2084091 (VCV002084091.1), dbSNP rs927073391, ClinGen allele CA140434959.